The following is an entry in ClinVar:

NM_001966.4(EHHADH):c.856G>A (p.Gly286Arg)

Gene: EHHADH (enoyl-CoA hydratase and 3-hydroxyacyl CoA dehydrogenase; minus strand). Cytogenetic location: 3q27.2.
Variant type: single nucleotide variant.
Coding change: c.856G>A on transcript NM_001966.4 (MANE Select); coding-DNA position 856, G replaced by A.
Protein change: p.Gly286Arg; replaces glycine 286 with arginine.
Molecular consequence: missense variant.
Genome position (GRCh38, 1-based): chr3:185,204,470, C>T on the plus strand (G>A on the coding strand, the complement: EHHADH is on the minus strand). VCF-style: chr3-185204470-C-T. GRCh37 (hg19) VCF-style: chr3-184922258-C-T.
Other names: c.856G>A (NM_001966.3); c.568G>A, p.Gly190Arg (NM_001166415.2); short protein forms G190R, G286R.
Identifiers: ClinVar variation 3025923 (VCV003025923.23), dbSNP rs767872565, ClinGen allele CA2739111.

ClinVar aggregate classification (germline): Conflicting classifications of pathogenicity. Review status: criteria provided, conflicting classifications (1 of 4 stars). 2 submissions from 2 submitters: Uncertain significance (1); Likely benign (1). Last evaluated 2025-01-19.

Allele frequency attached by ClinVar (database versions not stated): ExAC 0.00001.

Submissions (2):

Ambry Genetics
Classification: Uncertain significance. Last evaluated: 2025-01-19. Review status: criteria provided, single submitter. Criteria: Ambry Variant Classification Scheme 2023. Collection method: clinical testing. Allele origin: germline.

CeGaT Center for Human Genetics Tuebingen
Classification: Likely benign. Last evaluated: 2023-12-01. Review status: criteria provided, single submitter. Criteria: CeGaT Center For Human Genetics Tuebingen Variant Classification Criteria Version 2. Collection method: clinical testing. Allele origin: germline. Affected: yes. Observed: 1 variant allele.
Comment: EHHADH: BP4